The following is an entry in ClinVar:

NM_001374736.1(DST):c.11514T>C (p.His3838=)

Gene: DST (dystonin; minus strand). Cytogenetic location: 6p12.1.
Variant type: single nucleotide variant.
Coding change: c.11514T>C on transcript NM_001374736.1 (MANE Select); coding-DNA position 11514, T replaced by C.
Protein change: p.His3838=; no amino-acid change (histidine 3838 retained).
Molecular consequence: synonymous variant. On other transcripts: intron variant (6).
Genome position (GRCh38, 1-based): chr6:56,601,470, A>G on the plus strand (T>C on the coding strand, the complement: DST is on the minus strand). VCF-style: chr6-56601470-A-G. GRCh37 (hg19) VCF-style: chr6-56466268-A-G.
Other names: c.11514T>C, p.His3838= (NM_001374722.1); c.10881T>C, p.His3627= (NM_001374729.1); c.11541T>C, p.His3847= (NM_001374734.1); c.5185-1249T>C (NM_001144769.5); c.4771-1249T>C (NM_001144770.2); c.4651-1249T>C (NM_001374730.1, NM_001386100.1, NM_183380.4); c.3673-1249T>C (NM_015548.5).
Identifiers: ClinVar variation 2656660 (VCV002656660.24), dbSNP rs2536305005, ClinGen allele CA2578655052.
Genomic context (GRCh38, chr6:56,601,470, plus strand): 5'-CAATGAATGCCAACTCCACGAAGAAAGGCAAACCTTCTGATCATCAAGATCTTGTTCTAG[A>G]TGTAACTGAGTCTCTAAACGTTCCACCTGGGTAGTTACTGACTCCTGTACATCAAGAAAA-3'
Protein context (NP_001361665.1, residues 3828-3848): TQVERLETQL[His3838=]LEQDLDDQKI

ClinVar aggregate classification (germline): Likely benign (1 of 4 stars; one submission).

Submission:

CeGaT Center for Human Genetics Tuebingen
Classification: Likely benign. Last evaluated: 2023-03-01. Review status: criteria provided, single submitter. Criteria: CeGaT Center For Human Genetics Tuebingen Variant Classification Criteria Version 2. Collection method: clinical testing. Allele origin: germline. Affected: yes. Observed: 1 variant allele.
Comment: DST: PM2:Supporting, BP4, BP7